The following is an entry in ClinVar:

ClinVar aggregate classification (germline): Likely benign (1 of 4 stars; one submission).

Allele frequency attached by ClinVar (database versions not stated): TOPMed 0.00048; 1000 Genomes Project 0.00060; 1000 Genomes Project 30x 0.00078; gnomAD exomes 0.01163.
gnomAD v4.1: 66 of 152,284 alleles (0.043%); highest among the groups gnomAD compares: Middle Eastern, 0.34%; no homozygotes.

Submission:

CeGaT Center for Human Genetics Tuebingen
Classification: Likely benign. Last evaluated: 2023-01-01. Review status: criteria provided, single submitter. Criteria: CeGaT Center For Human Genetics Tuebingen Variant Classification Criteria Version 2. Collection method: clinical testing. Allele origin: germline. Affected: yes. Observed: 2 variant alleles.
Comment: EHMT1: BS1

NM_024757.5(EHMT1):c.2383-2064C>T

Gene: EHMT1 (euchromatic histone lysine methyltransferase 1; plus strand). Cytogenetic location: 9q34.3.
Variant type: single nucleotide variant.
Coding change: c.2383-2064C>T on transcript NM_024757.5 (MANE Select); 2064 bases into the intron before coding-DNA position 2383, C replaced by T.
Molecular consequence: intron variant.
Genome position (GRCh38, 1-based): chr9:137,788,784, C>T. VCF-style: chr9-137788784-C-T. GRCh37 (hg19) VCF-style: chr9-140683236-C-T.
Other names: c.2362-2064C>T (NM_001354263.2); c.2290-2064C>T (NM_001354259.2).
Identifiers: ClinVar variation 2659838 (VCV002659838.24), dbSNP rs577907314, ClinGen allele CA201820760.
Genomic context (GRCh38, chr9:137,788,784, plus strand): 5'-GCGGGGAGTGCTCGCGAGCCTGGGAAGGGCGCCGTCCGTCAGAGCCTCGCGGAGGGTGAG[C>T]GGCCGGCGGCTTCGACCTTGGAGTCCCAGGCTGTGTGGGACTTGGTCAGTGTCAGCCGCT-3'